The following is an entry in ClinVar:

NM_005431.2(XRCC2):c.388C>T (p.Leu130Phe)

Gene: XRCC2 (X-ray repair cross complementing 2; minus strand). Cytogenetic location: 7q36.1.
Variant type: single nucleotide variant.
Coding change: c.388C>T on transcript NM_005431.2 (MANE Select); coding-DNA position 388, C replaced by T.
Protein change: p.Leu130Phe; replaces leucine 130 with phenylalanine.
Molecular consequence: missense variant.
Genome position (GRCh38, 1-based): chr7:152,649,097, G>A on the plus strand (C>T on the coding strand, the complement: XRCC2 is on the minus strand). VCF-style: chr7-152649097-G-A. GRCh37 (hg19) VCF-style: chr7-152346182-G-A.
Other names: short protein forms L130F.
Identifiers: ClinVar variation 1735877 (VCV001735877.2), dbSNP rs2098027391, ClinGen allele CA370198808.

ClinVar aggregate classification (germline): Uncertain significance (1 of 4 stars; one submission).

Conditions:
Hereditary cancer-predisposing syndrome. Also called: Neoplastic Syndromes, Hereditary; Tumor predisposition; Hereditary Cancer Syndrome; Hereditary neoplastic syndrome. Identifiers: Orphanet 140162, MedGen C0027672, MeSH D009386, MONDO:0015356.

Allele frequency attached by ClinVar (database versions not stated): gnomAD 0.00001.

Submission:

Ambry Genetics
Classification: Uncertain significance for Hereditary cancer-predisposing syndrome. Last evaluated: 2020-07-30. Review status: criteria provided, single submitter. Criteria: Ambry Variant Classification Scheme 2023. Collection method: clinical testing. Allele origin: germline.
Comment: The p.L130F variant (also known as c.388C>T), located in coding exon 3 of the XRCC2 gene, results from a C to T substitution at nucleotide position 388. The leucine at codon 130 is replaced by phenylalanine, an amino acid with highly similar properties. This amino acid position is highly conserved in available vertebrate species. In addition, the in silico prediction for this alteration is inconclusive. Since supporting evidence is limited at this time, the clinical significance of this alteration remains unclear.